The following is an entry in ClinVar:

NM_198253.3(TERT):c.460G>T (p.Ala154Ser)

Gene: TERT (telomerase reverse transcriptase; minus strand). Cytogenetic location: 5p15.33.
Variant type: single nucleotide variant.
Coding change: c.460G>T on transcript NM_198253.3 (MANE Select); coding-DNA position 460, G replaced by T.
Protein change: p.Ala154Ser; replaces alanine 154 with serine.
Molecular consequence: missense variant. On other transcripts: non-coding transcript variant (2).
Genome position (GRCh38, 1-based): chr5:1,294,426, C>A on the plus strand (G>T on the coding strand, the complement: TERT is on the minus strand). VCF-style: chr5-1294426-C-A. GRCh37 (hg19) VCF-style: chr5-1294541-C-A.
Other names: c.460G>T, p.Ala154Ser (NM_001193376.3, NM_003219.1); short protein forms A154S.
Identifiers: ClinVar variation 2011292 (VCV002011292.4), dbSNP rs2478427265, ClinGen allele CA359057987.

ClinVar aggregate classification (germline): Uncertain significance (1 of 4 stars; one submission).

Conditions:
Dyskeratosis congenita, autosomal dominant 2. Identifiers: MedGen C3151443, MONDO:0013521, OMIM 613989.
Idiopathic Pulmonary Fibrosis. Also called: Idiopathic fibrosing alveolitis, chronic form; idiopathic fibrosing alveolitis. Identifiers: Orphanet 2032, MedGen C1800706, MeSH D054990, MONDO:0800504.

Submission:

Labcorp Genetics (formerly Invitae), Labcorp
Classification: Uncertain significance for Dyskeratosis congenita, autosomal dominant 2; Idiopathic Pulmonary Fibrosis. Last evaluated: 2022-06-27. Review status: criteria provided, single submitter. Criteria: Invitae Variant Classification Sherloc (09022015). Collection method: clinical testing. Allele origin: germline.
Comment: In summary, the available evidence is currently insufficient to determine the role of this variant in disease. Therefore, it has been classified as a Variant of Uncertain Significance. Advanced modeling of protein sequence and biophysical properties (such as structural, functional, and spatial information, amino acid conservation, physicochemical variation, residue mobility, and thermodynamic stability) performed at Invitae indicates that this missense variant is not expected to disrupt TERT protein function. This variant has not been reported in the literature in individuals affected with TERT-related conditions. This variant is not present in population databases (gnomAD no frequency). This sequence change replaces alanine, which is neutral and non-polar, with serine, which is neutral and polar, at codon 154 of the TERT protein (p.Ala154Ser).